The following is an entry in ClinVar:

ClinVar aggregate classification (germline): Uncertain significance (1 of 4 stars; one submission).

Conditions:
Multiple acyl-CoA dehydrogenase deficiency (MADD). Also called: Glutaric aciduria, type 2; ETHYLMALONIC-ADIPICACIDURIA; GA II; Glutaric acidemia type II; GA 2; Glutaric Acidemia type 2. Identifiers: Orphanet 26791, MedGen C0268596, MONDO:0009282, OMIM 231680.

Allele frequency attached by ClinVar (database versions not stated): TOPMed below 0.00001; gnomAD 0.00001; gnomAD exomes 0.00001; ExAC 0.00002.
gnomAD v4.1: 12 of 1,613,420 alleles (0.00074%); highest among the groups gnomAD compares: Admixed American, 0.0017%; no homozygotes.

Submission:

Labcorp Genetics (formerly Invitae), Labcorp
Classification: Uncertain significance for Multiple acyl-CoA dehydrogenase deficiency. Last evaluated: 2025-02-10. Review status: criteria provided, single submitter. Criteria: Invitae Variant Classification Sherloc (09022015). Collection method: clinical testing. Allele origin: germline.
Comment: This sequence change replaces arginine, which is basic and polar, with cysteine, which is neutral and slightly polar, at codon 46 of the ETFA protein (p.Arg46Cys). This variant is present in population databases (rs769908660, gnomAD 0.007%). This variant has not been reported in the literature in individuals affected with ETFA-related conditions. ClinVar contains an entry for this variant (Variation ID: 2158300). Invitae Evidence Modeling of protein sequence and biophysical properties (such as structural, functional, and spatial information, amino acid conservation, physicochemical variation, residue mobility, and thermodynamic stability) indicates that this missense variant is not expected to disrupt ETFA protein function with a negative predictive value of 80%. In summary, the available evidence is currently insufficient to determine the role of this variant in disease. Therefore, it has been classified as a Variant of Uncertain Significance.

NM_000126.4(ETFA):c.136C>T (p.Arg46Cys)

Gene: ETFA (electron transfer flavoprotein subunit alpha; minus strand). Cytogenetic location: 15q24.2.
Variant type: single nucleotide variant.
Coding change: c.136C>T on transcript NM_000126.4 (MANE Select); coding-DNA position 136, C replaced by T.
Protein change: p.Arg46Cys; replaces arginine 46 with cysteine.
Molecular consequence: missense variant. On other transcripts: intron variant (1).
Genome position (GRCh38, 1-based): chr15:76,295,641, G>A on the plus strand (C>T on the coding strand, the complement: ETFA is on the minus strand). VCF-style: chr15-76295641-G-A. GRCh37 (hg19) VCF-style: chr15-76587982-G-A.
Other names: c.40-2941C>T (NM_001127716.2); short protein forms R46C.
Identifiers: ClinVar variation 2158300 (VCV002158300.3), dbSNP rs769908660, ClinGen allele CA7673856.